The following is an entry in ClinVar:

ClinVar aggregate classification (germline): Uncertain significance (1 of 4 stars; one submission).

Conditions:
Hereditary cancer-predisposing syndrome. Also called: Hereditary neoplastic syndrome; Neoplastic Syndromes, Hereditary; Tumor predisposition; Hereditary Cancer Syndrome. Identifiers: Orphanet 140162, MedGen C0027672, MeSH D009386, MONDO:0015356.

Submission:

Ambry Genetics
Classification: Uncertain significance for Hereditary cancer-predisposing syndrome. Last evaluated: 2025-08-08. Review status: criteria provided, single submitter. Criteria: Ambry Variant Classification Scheme 2023. Collection method: clinical testing. Allele origin: germline.
Comment: The p.D120V variant (also known as c.359A>T), located in coding exon 2 of the NTHL1 gene, results from an A to T substitution at nucleotide position 359. The aspartic acid at codon 120 is replaced by valine, an amino acid with highly dissimilar properties. This amino acid position is conserved. In addition, this alteration is predicted to be deleterious by in silico analysis. Based on the available evidence, the clinical significance of this variant remains unclear.

NM_002528.7(NTHL1):c.335A>T (p.Asp112Val)

Gene: NTHL1 (nth like DNA glycosylase 1; minus strand). Cytogenetic location: 16p13.3.
Variant type: single nucleotide variant.
Coding change: c.335A>T on transcript NM_002528.7 (MANE Select); coding-DNA position 335, A replaced by T.
Protein change: p.Asp112Val; replaces aspartic acid 112 with valine.
Molecular consequence: missense variant. On other transcripts: intron variant (1).
Genome position (GRCh38, 1-based): chr16:2,046,147, T>A on the plus strand (A>T on the coding strand, the complement: NTHL1 is on the minus strand). VCF-style: chr16-2046147-T-A. GRCh37 (hg19) VCF-style: chr16-2096148-T-A.
Other names: c.335A>T, p.Asp112Val (NM_001318193.2); c.24+133A>T (NM_001318194.2); short protein forms D112V.
Identifiers: ClinVar variation 4123326 (VCV004123326.1).